The following is an entry in ClinVar:

ClinVar aggregate classification (germline): Uncertain significance. Review status: criteria provided, multiple submitters, no conflicts (2 of 4 stars). 2 submissions from 2 submitters: Uncertain significance (2). Last evaluated 2025-04-02.

Conditions:
Familial sleep-related hypermotor epilepsy. Also called: Autosomal Dominant Sleep-Related Hypermotor (Hyperkinetic) Epilepsy. Identifiers: Orphanet 98784, MedGen C3696898, MONDO:0000030.

Allele frequency attached by ClinVar (database versions not stated): gnomAD exomes 0.00001; ExAC 0.00001; gnomAD 0.00001; TOPMed 0.00002.
gnomAD v4.1: 16 of 1,612,562 alleles (0.00099%); highest among the groups gnomAD compares: East Asian, 0.011%; no homozygotes.

Submissions (2):

Labcorp Genetics (formerly Invitae), Labcorp
Classification: Uncertain significance. Last evaluated: 2025-04-02. Review status: criteria provided, single submitter. Criteria: Invitae Variant Classification Sherloc (09022015). Collection method: clinical testing. Allele origin: germline.
Comment: This sequence change replaces glycine, which is neutral and non-polar, with arginine, which is basic and polar, at codon 131 of the CHRNA4 protein (p.Gly131Arg). This variant is present in population databases (rs759269817, gnomAD 0.003%). This variant has not been reported in the literature in individuals affected with CHRNA4-related conditions. ClinVar contains an entry for this variant (Variation ID: 1306479). Invitae Evidence Modeling of protein sequence and biophysical properties (such as structural, functional, and spatial information, amino acid conservation, physicochemical variation, residue mobility, and thermodynamic stability) indicates that this missense variant is expected to disrupt CHRNA4 protein function with a positive predictive value of 80%. In summary, the available evidence is currently insufficient to determine the role of this variant in disease. Therefore, it has been classified as a Variant of Uncertain Significance.

GeneDx
Classification: Uncertain significance. Last evaluated: 2019-06-17. Review status: criteria provided, single submitter. Criteria: GeneDx Variant Classification Process June 2021. Collection method: clinical testing. Allele origin: germline. Affected: yes.
Comment: Not observed at a significant frequency in large population cohorts (Lek et al., 2016); In silico analysis, which includes protein predictors and evolutionary conservation, supports a deleterious effect; Has not been previously published as pathogenic or benign to our knowledge; This amino acid substitution is not predicted to occur within the transmembrane region of the protein, where the vast majority of pathogenic missense variants have been identified in association with epilepsy (Steinlein et al., 2010)

NM_000744.7(CHRNA4):c.391G>A (p.Gly131Arg)

Gene: CHRNA4 (cholinergic receptor nicotinic alpha 4 subunit; minus strand). Cytogenetic location: 20q13.33.
Variant type: single nucleotide variant.
Coding change: c.391G>A on transcript NM_000744.7 (MANE Select); coding-DNA position 391, G replaced by A.
Protein change: p.Gly131Arg; replaces glycine 131 with arginine.
Molecular consequence: missense variant. On other transcripts: 5 prime UTR variant (1), non-coding transcript variant (1).
Genome position (GRCh38, 1-based): chr20:63,351,020, C>T on the plus strand (G>A on the coding strand, the complement: CHRNA4 is on the minus strand). VCF-style: chr20-63351020-C-T. GRCh37 (hg19) VCF-style: chr20-61982372-C-T.
Other names: c.-138G>A (NM_001256573.2); short protein forms G131R.
Identifiers: ClinVar variation 1306479 (VCV001306479.3), dbSNP rs759269817, ClinGen allele CA9957808.